The following is an entry in ClinVar:

ClinVar aggregate classification (germline): Likely benign (0 of 4 stars; one submission).

Conditions:
MYCBP2-related disorder. Also called: MYCBP2-related condition.

Allele frequency attached by ClinVar (database versions not stated): ExAC 0.00001; gnomAD 0.00003; 1000 Genomes Project 30x 0.00016; 1000 Genomes Project 0.00020.
gnomAD v4.1: 34 of 1,614,016 alleles (0.0021%); highest among the groups gnomAD compares: Middle Eastern, 0.15%; 1 homozygote.

Submission:

PreventionGenetics, part of Exact Sciences
Classification: Likely benign for MYCBP2-related condition. Last evaluated: 2019-09-18. Review status: no assertion criteria provided. Collection method: clinical testing. Allele origin: germline.
Comment: This variant is classified as likely benign based on ACMG/AMP sequence variant interpretation guidelines (Richards et al. 2015 PMID: 25741868, with internal and published modifications).

NM_015057.5(MYCBP2):c.7953T>C (p.Asp2651=)

Gene: MYCBP2 (MYC binding protein 2; minus strand). Cytogenetic location: 13q22.3.
Variant type: single nucleotide variant.
Coding change: c.7953T>C on transcript NM_015057.5 (MANE Select); coding-DNA position 7953, T replaced by C.
Protein change: p.Asp2651=; no amino-acid change (aspartic acid 2651 retained).
Molecular consequence: synonymous variant.
Genome position (GRCh38, 1-based): chr13:77,125,400, A>G on the plus strand (T>C on the coding strand, the complement: MYCBP2 is on the minus strand). VCF-style: chr13-77125400-A-G. GRCh37 (hg19) VCF-style: chr13-77699535-A-G.
Identifiers: ClinVar variation 3040153 (VCV003040153.2), dbSNP rs200219506, ClinGen allele CA7008846.
Genomic context (GRCh38, chr13:77,125,400, plus strand): 5'-TTCATGTCGGAGGTACTGGTTTCCGCCTCTGTCTCTAGCTAAGGACCATGCCTCTCCTTC[A>G]TCACTCTCACAGAACTCTACCATGCTGTTCTGATCCAGTTGCACCCATGTCCCTTCAGAA-3'
Protein context (NP_055872.4, residues 2641-2661): QNSMVEFCES[Asp2651=]EGEAWSLARD